The following is an entry in ClinVar:

NM_003837.4(FBP2):c.504C>T (p.Tyr168=)

Genes: FBP2 (fructose-bisphosphatase 2; minus strand), PCAT7 (prostate cancer associated transcript 7; plus strand). Cytogenetic location: 9q22.32.
Variant type: single nucleotide variant.
Coding change: c.504C>T on transcript NM_003837.4 (MANE Select); coding-DNA position 504, C replaced by T.
Protein change: p.Tyr168=; no amino-acid change (tyrosine 168 retained).
Molecular consequence: synonymous variant.
Genome position (GRCh38, 1-based): chr9:94,571,525, G>A on the plus strand (C>T on the coding strand, the complement: FBP2 is on the minus strand). VCF-style: chr9-94571525-G-A. GRCh37 (hg19) VCF-style: chr9-97333807-G-A.
Identifiers: ClinVar variation 2659318 (VCV002659318.24), dbSNP rs142583559, ClinGen allele CA5135854.

ClinVar aggregate classification (germline): Likely benign (1 of 4 stars; one submission).

Allele frequency attached by ClinVar (database versions not stated): gnomAD 0.00042; ExAC 0.00045; TOPMed 0.00046; ESP Exome Variant Server 0.00069.
gnomAD v4.1: 477 of 1,613,972 alleles (0.03%); highest among the groups gnomAD compares: African/African-American, 0.052%; 5 homozygotes.

Submission:

CeGaT Center for Human Genetics Tuebingen
Classification: Likely benign. Last evaluated: 2023-01-01. Review status: criteria provided, single submitter. Criteria: CeGaT Center For Human Genetics Tuebingen Variant Classification Criteria Version 2. Collection method: clinical testing. Allele origin: germline. Affected: yes. Observed: 1 variant allele.
Comment: FBP2: BP4, BP7